The following is an entry in ClinVar:

ClinVar aggregate classification (germline): Likely benign. Review status: criteria provided, multiple submitters, no conflicts (2 of 4 stars). 3 submissions from 3 submitters: Likely benign (3). Last evaluated 2026-04-01.

gnomAD v4.1: 380 of 1,575,218 alleles (0.024%); highest among the groups gnomAD compares: South Asian, 0.06%; no homozygotes.

Submissions (3):

CeGaT Center for Human Genetics Tuebingen
Classification: Likely benign. Last evaluated: 2026-04-01. Review status: criteria provided, single submitter. Criteria: CeGaT Center For Human Genetics Tuebingen Variant Classification Criteria Version 2. Collection method: clinical testing. Allele origin: germline. Affected: yes. Observed: 1 variant allele.
Comment: CPE: BP4, BP7

Labcorp Genetics (formerly Invitae), Labcorp
Classification: Likely benign. Last evaluated: 2025-01-18. Review status: criteria provided, single submitter. Criteria: Invitae Variant Classification Sherloc (09022015). Collection method: clinical testing. Allele origin: germline.

Blueprint Genetics
Classification: Likely benign. Last evaluated: 2024-08-28. Review status: criteria provided, single submitter. Criteria: ACMG Guidelines, 2015. Collection method: clinical testing. Allele origin: germline.

NM_001873.4(CPE):c.303G>A (p.Glu101=)

Gene: CPE (carboxypeptidase E; plus strand). Cytogenetic location: 4q32.3.
Variant type: single nucleotide variant.
Coding change: c.303G>A on transcript NM_001873.4 (MANE Select); coding-DNA position 303, G replaced by A.
Protein change: p.Glu101=; no amino-acid change (glutamic acid 101 retained).
Molecular consequence: synonymous variant.
Genome position (GRCh38, 1-based): chr4:165,379,524, G>A. VCF-style: chr4-165379524-G-A. GRCh37 (hg19) VCF-style: chr4-166300676-G-A.
Identifiers: ClinVar variation 3665428 (VCV003665428.5).